The following is an entry in ClinVar:

NM_017780.4(CHD7):c.5420A>G (p.Asn1807Ser)

Gene: CHD7 (chromodomain helicase DNA binding protein 7; plus strand). Cytogenetic location: 8q12.2.
Variant type: single nucleotide variant.
Coding change: c.5420A>G on transcript NM_017780.4 (MANE Select); coding-DNA position 5420, A replaced by G.
Protein change: p.Asn1807Ser; replaces asparagine 1807 with serine.
Molecular consequence: missense variant. On other transcripts: intron variant (1).
Genome position (GRCh38, 1-based): chr8:60,850,508, A>G. VCF-style: chr8-60850508-A-G. GRCh37 (hg19) VCF-style: chr8-61763067-A-G.
Other names: c.1717-11721A>G (NM_001316690.1); c.5420A>G (NM_017780.3); short protein forms N1807S.
Identifiers: ClinVar variation 2162074 (VCV002162074.6), dbSNP rs1001632406, ClinGen allele CA371321508.

ClinVar aggregate classification (germline): Uncertain significance. Review status: criteria provided, multiple submitters, no conflicts (2 of 4 stars). 3 submissions from 3 submitters: Uncertain significance (3). Last evaluated 2024-09-29.

Conditions:
CHARGE syndrome (CHARGE). Also called: Hittner Hirsch Kreh syndrome; CHARGE ASSOCIATION--COLOBOMA, HEART ANOMALY, CHOANAL ATRESIA, RETARDATION, GENITAL AND EAR ANOMALIES; Coloboma, heart anomaly, choanal atresia, retardation, genital and ear anomalies; CHARGE association; Hall-Hittner syndrome. Identifiers: Orphanet 138, MedGen C0265354, MONDO:0008965.
Inborn genetic diseases. Identifiers: MedGen C0950123, MeSH D030342.
Hypogonadotropic hypogonadism 5 with or without anosmia (KAL5). Also called: HYPOGONADOTROPIC HYPOGONADISM 5 WITH ANOSMIA; HYPOGONADOTROPHIC HYPOGONADISM 5 WITHOUT ANOSMIA; CHD7-Related GnRH Deficiency (Kallmann Syndrome 5). Identifiers: Orphanet 478, MedGen C3552553, MONDO:0012880, OMIM 612370. Disease mechanism: loss of function.

gnomAD v4.1: 1 of 1,613,180 alleles (0.000062%); highest among the groups gnomAD compares: African/African-American, 0.0013%; no homozygotes.

Submissions (3):

Labcorp Genetics (formerly Invitae), Labcorp
Classification: Uncertain significance for CHARGE syndrome. Last evaluated: 2024-09-29. Review status: criteria provided, single submitter. Criteria: Invitae Variant Classification Sherloc (09022015). Collection method: clinical testing. Allele origin: germline.
Comment: This sequence change replaces asparagine, which is neutral and polar, with serine, which is neutral and polar, at codon 1807 of the CHD7 protein (p.Asn1807Ser). This variant is not present in population databases (gnomAD no frequency). This variant has not been reported in the literature in individuals affected with CHD7-related conditions. ClinVar contains an entry for this variant (Variation ID: 2162074). Invitae Evidence Modeling of protein sequence and biophysical properties (such as structural, functional, and spatial information, amino acid conservation, physicochemical variation, residue mobility, and thermodynamic stability) has been performed for this missense variant. However, the output from this modeling did not meet the statistical confidence thresholds required to predict the impact of this variant on CHD7 protein function. In summary, the available evidence is currently insufficient to determine the role of this variant in disease. Therefore, it has been classified as a Variant of Uncertain Significance.

Fulgent Genetics
Classification: Uncertain significance for CHD7-related CHARGE syndrome; Hypogonadotropic hypogonadism 5 with or without anosmia. Last evaluated: 2024-05-15. Review status: criteria provided, single submitter. Criteria: ACMG Guidelines, 2015. Collection method: clinical testing. Allele origin: germline.

Ambry Genetics
Classification: Uncertain significance for Inborn genetic diseases. Last evaluated: 2021-08-09. Review status: criteria provided, single submitter. Criteria: Ambry Variant Classification Scheme 2023. Collection method: clinical testing. Allele origin: germline.